The following is an entry in ClinVar:

NM_203447.4(DOCK8):c.49A>G (p.Asn17Asp)

Genes: DOCK8-AS1 (DOCK8 antisense RNA 1; minus strand), DOCK8 (dedicator of cytokinesis 8; plus strand), LOC130001437 (ATAC-STARR-seq lymphoblastoid silent region 19722; plus strand). Cytogenetic location: 9p24.3.
Variant type: single nucleotide variant.
Coding change: c.49A>G on transcript NM_203447.4 (MANE Select); coding-DNA position 49, A replaced by G.
Protein change: p.Asn17Asp; replaces asparagine 17 with aspartic acid.
Molecular consequence: missense variant. On other transcripts: non-coding transcript variant (1).
Genome position (GRCh38, 1-based): chr9:215,025, A>G. VCF-style: chr9-215025-A-G. GRCh37 (hg19) VCF-style: chr9-215025-A-G.
Other names: short protein forms N17D.
Identifiers: ClinVar variation 2892155 (VCV002892155.4), dbSNP rs776889811, ClinGen allele CA372755831.

ClinVar aggregate classification (germline): Uncertain significance. Review status: criteria provided, multiple submitters, no conflicts (2 of 4 stars). 2 submissions from 2 submitters: Uncertain significance (2). Last evaluated 2025-05-28.

Conditions:
Inborn genetic diseases. Identifiers: MedGen C0950123, MeSH D030342.
Combined immunodeficiency due to DOCK8 deficiency (HIES2). Also called: HYPER-IgE RECURRENT INFECTION SYNDROME 2, AUTOSOMAL RECESSIVE; Hyper-IgE recurrent infection syndrome, autosomal recessive; HIES autosomal recessive; HYPER-IgE SYNDROME 2, AUTOSOMAL RECESSIVE, WITH RECURRENT INFECTIONS; DOCK8 Deficiency. Identifiers: Orphanet 217390, MedGen C4722305, MONDO:0009478, OMIM 243700.

Allele frequency attached by ClinVar (database versions not stated): TOPMed below 0.00001.

Submissions (2):

Ambry Genetics
Classification: Uncertain significance for Inborn genetic diseases. Last evaluated: 2025-05-28. Review status: criteria provided, single submitter. Criteria: Ambry Variant Classification Scheme 2023. Collection method: clinical testing. Allele origin: germline.

Labcorp Genetics (formerly Invitae), Labcorp
Classification: Uncertain significance for Combined immunodeficiency due to DOCK8 deficiency. Last evaluated: 2023-09-29. Review status: criteria provided, single submitter. Criteria: Invitae Variant Classification Sherloc (09022015). Collection method: clinical testing. Allele origin: germline.
Comment: This sequence change replaces asparagine, which is neutral and polar, with aspartic acid, which is acidic and polar, at codon 17 of the DOCK8 protein (p.Asn17Asp). This variant is not present in population databases (gnomAD no frequency). This variant has not been reported in the literature in individuals affected with DOCK8-related conditions. An algorithm developed to predict the effect of missense changes on protein structure and function (PolyPhen-2) suggests that this variant is likely to be tolerated. In summary, the available evidence is currently insufficient to determine the role of this variant in disease. Therefore, it has been classified as a Variant of Uncertain Significance.